The following is an entry in ClinVar:

ClinVar aggregate classification (germline): Uncertain significance (1 of 4 stars; one submission).

Conditions:
Beckwith-Wiedemann syndrome (BWS). Also called: EMG SYNDROME; Exomphalos macroglossia gigantism syndrome. Identifiers: Orphanet 116, MedGen C0004903, MONDO:0007534, OMIM 130650.

Submission:

Labcorp Genetics (formerly Invitae), Labcorp
Classification: Uncertain significance for Beckwith-Wiedemann syndrome. Last evaluated: 2023-03-02. Review status: criteria provided, single submitter. Criteria: Invitae Variant Classification Sherloc (09022015). Collection method: clinical testing. Allele origin: germline.
Comment: In summary, the available evidence is currently insufficient to determine the role of this variant in disease. Therefore, it has been classified as a Variant of Uncertain Significance. Advanced modeling of protein sequence and biophysical properties (such as structural, functional, and spatial information, amino acid conservation, physicochemical variation, residue mobility, and thermodynamic stability) performed at Invitae indicates that this missense variant is not expected to disrupt CDKN1C protein function. This variant has not been reported in the literature in individuals affected with CDKN1C-related conditions. This variant is not present in population databases (gnomAD no frequency). This sequence change replaces serine, which is neutral and polar, with threonine, which is neutral and polar, at codon 258 of the CDKN1C protein (p.Ser258Thr).

NM_001122630.2(CDKN1C):c.740G>C (p.Ser247Thr)

Gene: CDKN1C (cyclin dependent kinase inhibitor 1C; minus strand). Cytogenetic location: 11p15.4.
Variant type: single nucleotide variant.
Coding change: c.740G>C on transcript NM_001122630.2 (MANE Select); coding-DNA position 740, G replaced by C.
Protein change: p.Ser247Thr; replaces serine 247 with threonine.
Molecular consequence: missense variant. On other transcripts: intron variant (1).
Genome position (GRCh38, 1-based): chr11:2,884,717, C>G on the plus strand (G>C on the coding strand, the complement: CDKN1C is on the minus strand). VCF-style: chr11-2884717-C-G. GRCh37 (hg19) VCF-style: chr11-2905947-C-G.
Other names: c.773G>C, p.Ser258Thr (NM_000076.2, NM_001362474.2); c.740G>C, p.Ser247Thr (NM_001122631.2); c.255+485G>C (NM_001362475.2); short protein forms S247T, S258T.
Identifiers: ClinVar variation 2787576 (VCV002787576.3), dbSNP rs766858608, ClinGen allele CA379145611.